The following is an entry in ClinVar:

NM_001429.4(EP300):c.2213A>G (p.Gln738Arg)

Gene: EP300 (EP300 lysine acetyltransferase; plus strand). Cytogenetic location: 22q13.2.
Variant type: single nucleotide variant.
Coding change: c.2213A>G on transcript NM_001429.4 (MANE Select); coding-DNA position 2213, A replaced by G.
Protein change: p.Gln738Arg; replaces glutamine 738 with arginine.
Molecular consequence: missense variant.
Genome position (GRCh38, 1-based): chr22:41,147,918, A>G. VCF-style: chr22-41147918-A-G. GRCh37 (hg19) VCF-style: chr22-41543922-A-G.
Other names: c.2135A>G, p.Gln712Arg (NM_001362843.2); short protein forms Q712R, Q738R.
Identifiers: ClinVar variation 985497 (VCV000985497.6), dbSNP rs766858607, ClinGen allele CA324534752.

ClinVar aggregate classification (germline): Uncertain significance. Review status: criteria provided, multiple submitters, no conflicts (2 of 4 stars). 3 submissions from 3 submitters: Uncertain significance (3). Last evaluated 2025-12-17.

Conditions:
Rubinstein-Taybi syndrome due to EP300 haploinsufficiency. Also called: RUBINSTEIN-TAYBI SYNDROME 2; EP300-Related Rubinstein-Taybi Syndrome. Identifiers: Orphanet 353284, Orphanet 783, MedGen C3150941, MONDO:0013364, OMIM 613684.
Inborn genetic diseases. Identifiers: MedGen C0950123, MeSH D030342.
EP300-related disorder. Also called: EP300-related disorders; EP300-related condition.

Allele frequency attached by ClinVar (database versions not stated): gnomAD 0.00001; gnomAD exomes 0.00001; TOPMed 0.00001.
gnomAD v4.1: 13 of 1,612,362 alleles (0.00081%); highest among the groups gnomAD compares: Non-Finnish European, 0.0011%; no homozygotes.

Submissions (3):

PreventionGenetics, part of Exact Sciences
Classification: Uncertain significance for EP300-related condition. Last evaluated: 2025-12-17. Review status: criteria provided, single submitter. Criteria: ACMG Guidelines, 2015. Collection method: clinical testing. Allele origin: germline.
Comment: The EP300 c.2213A>G variant is predicted to result in the amino acid substitution p.Gln738Arg. To our knowledge, this variant has not been reported in the literature or in a large population database, indicating this variant is rare. Although we suspect this variant may be benign, at this time, the clinical significance of this variant is uncertain due to the absence of conclusive functional and genetic evidence.

Labcorp Genetics (formerly Invitae), Labcorp
Classification: Uncertain significance for Rubinstein-Taybi syndrome due to EP300 haploinsufficiency. Last evaluated: 2025-08-26. Review status: criteria provided, single submitter. Criteria: Invitae Variant Classification Sherloc (09022015). Collection method: clinical testing. Allele origin: germline.
Comment: This sequence change replaces glutamine, which is neutral and polar, with arginine, which is basic and polar, at codon 738 of the EP300 protein (p.Gln738Arg). This variant is not present in population databases (gnomAD no frequency). This variant has not been reported in the literature in individuals affected with EP300-related conditions. ClinVar contains an entry for this variant (Variation ID: 985497). Invitae Evidence Modeling of protein sequence and biophysical properties (such as structural, functional, and spatial information, amino acid conservation, physicochemical variation, residue mobility, and thermodynamic stability) indicates that this missense variant is not expected to disrupt EP300 protein function with a negative predictive value of 80%. In summary, the available evidence is currently insufficient to determine the role of this variant in disease. Therefore, it has been classified as a Variant of Uncertain Significance.

Ambry Genetics
Classification: Uncertain significance for Inborn genetic diseases. Last evaluated: 2019-11-01. Review status: criteria provided, single submitter. Criteria: Ambry exome assertion method (8-5-2015). Collection method: clinical testing. Allele origin: germline. Affected: yes. Observed: 1 variant allele.